The following is an entry in ClinVar:

ClinVar aggregate classification (germline): Uncertain significance (1 of 4 stars; one submission).

Conditions:
Cardiovascular phenotype. Identifiers: MedGen CN230736.

Submission:

Ambry Genetics
Classification: Uncertain significance for Cardiovascular phenotype. Last evaluated: 2026-09-11. Review status: criteria provided, single submitter. Criteria: Ambry Variant Classification Scheme 2023. Collection method: clinical testing. Allele origin: germline.
Comment: The p.L1230S variant (also known as c.3689T>C), located in coding exon 23 of the APOB gene, results from a T to C substitution at nucleotide position 3689. The leucine at codon 1230 is replaced by serine, an amino acid with dissimilar properties. This amino acid position is conserved. In addition, this alteration is predicted to be tolerated by in silico analysis. Based on the available evidence, the clinical significance of this variant remains unclear.

NM_000384.3(APOB):c.3689T>C (p.Leu1230Ser)

Gene: APOB (apolipoprotein B; minus strand). Cytogenetic location: 2p24.1.
Variant type: single nucleotide variant.
Coding change: c.3689T>C on transcript NM_000384.3 (MANE Select); coding-DNA position 3689, T replaced by C.
Protein change: p.Leu1230Ser; replaces leucine 1230 with serine.
Molecular consequence: missense variant.
Genome position (GRCh38, 1-based): chr2:21,015,080, A>G on the plus strand (T>C on the coding strand, the complement: APOB is on the minus strand). VCF-style: chr2-21015080-A-G. GRCh37 (hg19) VCF-style: chr2-21237952-A-G.
Other names: short protein forms L1230S.
Identifiers: ClinVar variation 4125946 (VCV004125946.2).